The following is an entry in ClinVar:

NM_000348.4(SRD5A2):c.344G>A (p.Gly115Asp)

Gene: SRD5A2 (steroid 5 alpha-reductase 2; minus strand). Cytogenetic location: 2p23.1.
Variant type: single nucleotide variant.
Coding change: c.344G>A on transcript NM_000348.4 (MANE Select); coding-DNA position 344, G replaced by A.
Protein change: p.Gly115Asp; replaces glycine 115 with aspartic acid.
Molecular consequence: missense variant.
Genome position (GRCh38, 1-based): chr2:31,533,704, C>T on the plus strand (G>A on the coding strand, the complement: SRD5A2 is on the minus strand). VCF-style: chr2-31533704-C-T. GRCh37 (hg19) VCF-style: chr2-31758774-C-T.
Other names: short protein forms G115D.
Identifiers: ClinVar variation 3340 (VCV000003340.12), dbSNP rs121434246, ClinGen allele CA340070.

ClinVar aggregate classification (germline): Pathogenic/Likely pathogenic. Review status: criteria provided, multiple submitters, no conflicts (2 of 4 stars). 5 submissions from 5 submitters: Pathogenic (2); Likely pathogenic (1). 2 of the submissions do not count toward it. Last evaluated 2026-05-27.

Conditions:
SRD5A2-related disorder. Also called: SRD5A2-related condition.
3-Oxo-5 alpha-steroid delta 4-dehydrogenase deficiency (PPSH). Also called: 46,XY disorder of sex development due to 5-alpha-reductase 2 deficiency; PSEUDOVAGINAL PERINEOSCROTAL HYPOSPADIAS; FAMILIAL INCOMPLETE MALE PSEUDOHERMAPHRODITISM, TYPE 2; MALE PSEUDOHERMAPHRODITISM DUE TO 5-ALPHA-REDUCTASE DEFICIENCY. Identifiers: Orphanet 753, MedGen C0268297, MONDO:0009923, OMIM 264600. Disease mechanism: loss of function.

Allele frequency attached by ClinVar (database versions not stated): gnomAD exomes 0.00001 and 0.00002; ExAC 0.00002; gnomAD 0.00002; TOPMed 0.00003.
gnomAD v4.1: 17 of 1,593,536 alleles (0.0011%); highest among the groups gnomAD compares: Admixed American, 0.014%; no homozygotes.

Submissions (5):

PreventionGenetics, part of Exact Sciences
Classification: Pathogenic for SRD5A2-related condition. Last evaluated: 2026-05-27. Review status: criteria provided, single submitter. Criteria: ACMG Guidelines, 2015. Collection method: clinical testing. Allele origin: germline.
Comment: The SRD5A2 c.344G>A variant is predicted to result in the amino acid substitution p.Gly115Asp. This variant has been reported in multiple individuals with steroid 5-alpha-reductase deficiency (see for example, Thigpen et al. 1992. PubMed ID: 1522235; Vilchis et al. 2008. PubMed ID: 18350250; Maimoun et al. 2011. PubMed ID: 21147889; Vija et al. 2014. PubMed ID: 24885102). In vitro studies have found that this variant essentially abolishes the enzymatic activity of steroid 5-alpha-reductase 2 (Thigpen et al. 1992. PubMed ID: 1522235; Wigley et al. 1994. PubMed ID: 8110760; Vilchis et al. 2008. PubMed ID: 18350250). This variant is reported in 0.019% of alleles in individuals of Latino descent in gnomAD. Taken together, this variant is interpreted as pathogenic.

Labcorp Genetics (formerly Invitae), Labcorp
Classification: Pathogenic for 3-Oxo-5 alpha-steroid delta 4-dehydrogenase deficiency. Last evaluated: 2025-07-22. Review status: criteria provided, single submitter. Criteria: Invitae Variant Classification Sherloc (09022015). Collection method: clinical testing. Allele origin: germline.
Comment: This sequence change replaces glycine, which is neutral and non-polar, with aspartic acid, which is acidic and polar, at codon 115 of the SRD5A2 protein (p.Gly115Asp). The frequency data for this variant in the population databases is considered unreliable, as metrics indicate poor data quality at this position in the gnomAD database. This missense change has been observed in individual(s) with steroid-5 alpha-reductase deficiency (PMID: 1147889, 1522235, 8626825, 10718838, 15528927, 20019388, 24885102). In at least one individual the data is consistent with being in trans (on the opposite chromosome) from a pathogenic variant. ClinVar contains an entry for this variant (Variation ID: 3340). Invitae Evidence Modeling of protein sequence and biophysical properties (such as structural, functional, and spatial information, amino acid conservation, physicochemical variation, residue mobility, and thermodynamic stability) indicates that this missense variant is not expected to disrupt SRD5A2 protein function with a negative predictive value of 80%. Experimental studies have shown that this missense change affects SRD5A2 function (PMID: 8110760, 18350250). For these reasons, this variant has been classified as Pathogenic.

Fulgent Genetics
Classification: Likely pathogenic for 3-Oxo-5 alpha-steroid delta 4-dehydrogenase deficiency. Last evaluated: 2021-08-12. Review status: criteria provided, single submitter. Criteria: ACMG Guidelines, 2015. Collection method: clinical testing. Allele origin: unknown.

Clinical Molecular Genetics Laboratory, Johns Hopkins All Children's Hospital
Classification: Pathogenic for 3-Oxo-5 alpha-steroid delta 4-dehydrogenase deficiency. Last evaluated: 2017-06-12. Review status: no assertion criteria provided. Collection method: clinical testing. Allele origin: germline. Affected: yes. Not counted in ClinVar's aggregate classification.

OMIM
Classification: Pathogenic for PSEUDOVAGINAL PERINEOSCROTAL HYPOSPADIAS. Last evaluated: 1996-05-01. Review status: no assertion criteria provided. Collection method: literature only. Allele origin: germline. Not counted in ClinVar's aggregate classification.

Literature cited by the submitters: PubMed 1147889 (cited by Labcorp Genetics (formerly Invitae), Labcorp); PubMed 1522235 (cited by Labcorp Genetics (formerly Invitae), Labcorp); PubMed 8626825 (cited by Labcorp Genetics (formerly Invitae), Labcorp and OMIM); PubMed 10718838 (cited by Labcorp Genetics (formerly Invitae), Labcorp); PubMed 15528927 (cited by Labcorp Genetics (formerly Invitae), Labcorp); PubMed 20019388 (cited by Labcorp Genetics (formerly Invitae), Labcorp); PubMed 24885102 (cited by Labcorp Genetics (formerly Invitae), Labcorp); PubMed 8110760 (cited by Labcorp Genetics (formerly Invitae), Labcorp); PubMed 18350250 (cited by Labcorp Genetics (formerly Invitae), Labcorp).